The following is an entry in ClinVar:

NM_000458.4(HNF1B):c.1305G>T (p.Met435Ile)

Gene: HNF1B (HNF1 homeobox B; minus strand). Cytogenetic location: 17q12.
Variant type: single nucleotide variant.
Coding change: c.1305G>T on transcript NM_000458.4 (MANE Select); coding-DNA position 1305, G replaced by T.
Protein change: p.Met435Ile; replaces methionine 435 with isoleucine.
Molecular consequence: missense variant.
Genome position (GRCh38, 1-based): chr17:37,704,951, C>A on the plus strand (G>T on the coding strand, the complement: HNF1B is on the minus strand). VCF-style: chr17-37704951-C-A. GRCh37 (hg19) VCF-style: chr17-36064958-C-A.
Other names: c.1227G>T, p.Met409Ile (NM_001165923.4, NM_001304286.2); c.1305G>T (NM_000458.3); short protein forms M435I, M409I.
Identifiers: ClinVar variation 1516497 (VCV001516497.10), dbSNP rs1199229728, ClinGen allele CA398757226.

ClinVar aggregate classification (germline): Uncertain significance. Review status: criteria provided, multiple submitters, no conflicts (2 of 4 stars). 4 submissions from 4 submitters: Uncertain significance (3). 1 of the submissions does not count toward it. Last evaluated 2025-12-25.

Conditions:
HNF1B-related disorder. Also called: HNF1B-related condition; HNF1B-related disorders.
Type 2 diabetes mellitus. Also called: Type II diabetes mellitus. Identifiers: MedGen C0011860, MeSH D003924, MONDO:0005148, OMIM 125853, HP:0005978.
Nonpapillary renal cell carcinoma. Identifiers: Orphanet 422526, MedGen CN074294, MONDO:0007763, OMIM 144700.
Renal cysts and diabetes syndrome (RCAD). Also called: Familial hypoplastic, glomerulocystic kidney; MATURITY-ONSET DIABETES OF THE YOUNG, TYPE 5. Identifiers: Orphanet 93111, MedGen C0431693, MONDO:0007669, OMIM 137920.

Allele frequency attached by ClinVar (database versions not stated): gnomAD exomes below 0.00001; TOPMed below 0.00001; gnomAD 0.00001.
gnomAD v4.1: 2 of 1,613,944 alleles (0.00012%); highest among the groups gnomAD compares: Admixed American, 0.0033%; no homozygotes.

Submissions (4):

Labcorp Genetics (formerly Invitae), Labcorp
Classification: Uncertain significance. Last evaluated: 2025-12-25. Review status: criteria provided, single submitter. Criteria: Invitae Variant Classification Sherloc (09022015). Collection method: clinical testing. Allele origin: germline.
Comment: This sequence change replaces methionine, which is neutral and non-polar, with isoleucine, which is neutral and non-polar, at codon 435 of the HNF1B protein (p.Met435Ile). This variant is present in population databases (no rsID available, gnomAD 0.003%). This variant has not been reported in the literature in individuals affected with HNF1B-related conditions. ClinVar contains an entry for this variant (Variation ID: 1516497). Invitae Evidence Modeling of protein sequence and biophysical properties (such as structural, functional, and spatial information, amino acid conservation, physicochemical variation, residue mobility, and thermodynamic stability) indicates that this missense variant is not expected to disrupt HNF1B protein function with a negative predictive value of 80%. In summary, the available evidence is currently insufficient to determine the role of this variant in disease. Therefore, it has been classified as a Variant of Uncertain Significance.

Dasa
Classification: Uncertain significance. Last evaluated: 2025-01-28. Review status: criteria provided, single submitter. Criteria: DASA Assertion Criteria. Collection method: clinical testing. Allele origin: germline.
Comment: NM_000458.4(HNF1B):c.1305G>T (p.Met435Ile) is a missense variant that results in the substitution of methionine with isoleucine. This variant is rare in population databases. Computational prediction algorithms are consistent with a deleterious effect. The currently available literature and clinical evidence are not sufficient to establish a definitive association between this variant and the reported condition. Therefore, this variant is classified as a variant of uncertain significance.

Fulgent Genetics
Classification: Uncertain significance for Type 2 diabetes mellitus; Renal cysts and diabetes syndrome; Nonpapillary renal cell carcinoma. Last evaluated: 2021-12-08. Review status: criteria provided, single submitter. Criteria: ACMG Guidelines, 2015. Collection method: clinical testing. Allele origin: unknown.

PreventionGenetics, part of Exact Sciences
Classification: Uncertain significance for HNF1B-related condition. Last evaluated: 2024-04-13. Review status: no assertion criteria provided. Collection method: clinical testing. Allele origin: germline. Not counted in ClinVar's aggregate classification.
Comment: The HNF1B c.1305G>T variant is predicted to result in the amino acid substitution p.Met435Ile. To our knowledge, this variant has not been reported in the literature. This variant is reported in 0.0029% of alleles in individuals of Latino descent in gnomAD. At this time, the clinical significance of this variant is uncertain due to the absence of conclusive functional and genetic evidence.